The following is an entry in ClinVar:

NM_001386393.1(PANK2):c.405dup (p.Lys136Ter)

Gene: PANK2 (pantothenate kinase 2; plus strand). Cytogenetic location: 20p13.
Variant type: Duplication.
Coding change: c.405dup on transcript NM_001386393.1 (MANE Select); coding-DNA position 405, one base duplicated (T; older notation c.405dupT).
Protein change: p.Lys136Ter; replaces lysine 136 with a stop codon.
Molecular consequence: nonsense. On other transcripts: 5 prime UTR variant (4), non-coding transcript variant (1).
Genome position (GRCh38, 1-based): chr20:3,908,032, T duplicated; the last of 2 consecutive T bases (chr20:3,908,031-3,908,032); duplicating either gives the same sequence. VCF-style (leftmost placement, unchanged base first): chr20-3908030-C-CT. GRCh37 (hg19) VCF-style: chr20-3888677-C-CT.
Other names: c.-139dup (NM_001324191.2, NM_024960.6, NM_153640.4); c.735dup, p.Lys246Ter (NM_001324192.1, NM_153638.4); c.-431dup (NM_001324193.2); c.735dupT (NM_153638.4); short protein forms K136*, K246*.
Identifiers: ClinVar variation 4057233 (VCV004057233.1).

ClinVar aggregate classification (germline): Pathogenic (1 of 4 stars; one submission).

Conditions:
Pigmentary pallidal degeneration (NBIA1). Also called: Neurodegeneration with brain iron accumulation 1; PKAN NEUROAXONAL DYSTROPHY, JUVENILE-ONSET; Pantothenate Kinase-Associated Neurodegeneration; Neuroaxonal dystrophy, late infantile; Hallervorden-Spatz disease; HARP SYNDROME. Identifiers: Orphanet 157850, MedGen C0018523, MONDO:0009319, OMIM 234200.

Submission:

Department of Medical Genetics and Molecular Medicine, Mashhad University of Medical Sciences
Classification: Pathogenic for Pigmentary pallidal degeneration. Last evaluated: 2023-09-18. Review status: criteria provided, single submitter. Criteria: ACMG Guidelines, 2015. Collection method: clinical testing. Allele origin: germline. Affected: yes.
Comment: Absence in controls: The variant is absent in population databases (gnomAD). In silico predictions: Computational tools (SIFT, PolyPhen-2, MutationTaster) predict a deleterious effect on protein function. ACMG criteria: Applied criteria include PVS1, PM2 due to homozygous nonsense loss-of-function mutation, absence in controls.